The following is an entry in ClinVar:

ClinVar aggregate classification (germline): Conflicting classifications of pathogenicity. Review status: criteria provided, conflicting classifications (1 of 4 stars). 10 submissions from 9 submitters: Pathogenic (1); Likely pathogenic (2); Uncertain significance (6). 1 of the submissions does not count toward it. Last evaluated 2026-09-15.

Conditions:
GJB2-related disorder. Also called: GJB2-related condition; GJB2-related disorders. Identifiers: MedGen CN382183, MONDO:1060236.
Autosomal dominant keratitis-ichthyosis-hearing loss syndrome. Also called: Senter syndrome; KID SYNDROME, AUTOSOMAL DOMINANT; HID SYNDROME. Identifiers: Orphanet 477, MedGen C0265336, MONDO:0007850, OMIM 148210.
Autosomal recessive nonsyndromic hearing loss 1A (DFNB1A). Also called: GJB2-Related Autosomal Recessive Nonsyndromic Hearing Loss; GJB6-Related DFNB 1 Nonsyndromic Hearing Loss and Deafness; Connexin 26 deafness; Deafness nonsyndromic, Connexin 26 linked; Nonsyndromic Hearing Loss and Deafness, DFNB1; Deafness, autosomal recessive 1A. Identifiers: Orphanet 90636, MedGen C2673759, MONDO:0009076, OMIM 220290.
Palmoplantar keratoderma-deafness syndrome. Also called: Keratoderma palmoplantar, with deafness; Palmoplantar keratoderma and sensorineural deafness; Hereditary palmoplantar keratoderma with deafness (subtype); Focal palmoplantar keratoderma with sensorineural deafness (subtype); Diffuse palmoplantar keratoderma with deafness (subtype). Identifiers: Orphanet 2202, MedGen C1835672, MONDO:0007852, OMIM 148350.
Ichthyosis, hystrix-like, with hearing loss. Also called: Hystrix-like ichthyosis with deafness. Identifiers: Orphanet 477, MedGen C1865234, MONDO:0011245.
Knuckle pads, deafness AND leukonychia syndrome. Also called: Bart-Pumphrey syndrome. Identifiers: Orphanet 2698, MedGen C0266004, MONDO:0007866, OMIM 149200.
Autosomal dominant nonsyndromic hearing loss 3A. Identifiers: Orphanet 90635, MedGen C2675750, MONDO:0011103, OMIM 601544.
X-linked mixed hearing loss with perilymphatic gusher. Also called: Gusher syndrome; NANCE DEAFNESS; PERILYMPHATIC GUSHER-DEAFNESS SYNDROME; SENSORINEURAL DEAFNESS, PROFOUND, WITH OR WITHOUT A CONDUCTIVE COMPONENT, ASSOCIATED WITH A UNIQUE DEVELOPMENTAL ABNORMALITY OF THE EAR; Deafness, X-linked 2. Identifiers: Orphanet 383, MedGen C1844678, MONDO:0010576, OMIM 304400.
Mutilating keratoderma (VOWNKL). Also called: Keratoderma hereditarium mutilans. Identifiers: Orphanet 494, MedGen C0265964, MONDO:0007422, OMIM 124500.

Allele frequency attached by ClinVar (database versions not stated): gnomAD 0.00001; gnomAD exomes 0.00004 and 0.00001; TOPMed 0.00003; ExAC 0.00004.
gnomAD v4.1: 15 of 1,613,308 alleles (0.00093%); highest among the groups gnomAD compares: Admixed American, 0.017%; no homozygotes.

Submissions (10):

PreventionGenetics, part of Exact Sciences
Classification: Uncertain significance for GJB2-related condition. Last evaluated: 2026-09-15. Review status: criteria provided, single submitter. Criteria: ACMG Guidelines, 2015. Collection method: clinical testing. Allele origin: germline.
Comment: The GJB2 c.188T>C variant is predicted to result in the amino acid substitution p.Val63Ala. This variant has been reported in the heterozygous state along with a second pathogenic GJB2 variant in one individual with hearing loss (Tang et al. 2006. PubMed ID: 17041943) and in another patient with hearing loss without a second potentially causative variant (Loeza-Becerra et al. 2014. PubMed ID: 24774219). At PreventionGenetics this variant was observed in the compound heterozygous state to a second pathogenic variant in two unrelated individuals with hearing loss (Internal data). This variant is reported in 0.026% of alleles in individuals of Latino descent in gnomAD. Other missense variants affecting the same amino acid (p.Val63Met, p.Val63Leu) have also been reported in individuals with hearing loss (Cryns et al. 2004. PubMed ID: 14985372; Chai et al. 2014. PubMed ID: 24507663). This variant has conflicting interpretations in ClinVar ranging from uncertain to pathogenic (Variation ID: 177751). Although we suspect that this variant may be pathogenic, at this time, the clinical significance of this variant is uncertain due to the absence of conclusive functional and genetic evidence.

GeneDx
Classification: Uncertain significance. Last evaluated: 2026-08-25. Review status: criteria provided, single submitter. Criteria: GeneDx Variant Classification Process June 2021. Collection method: clinical testing. Allele origin: germline.
Comment: Observed with a second variant (phase unknown) in an individual with hearing loss in published literature; however, it is unknown whether this individual was tested for variants in other genes associated with hearing loss (PMID: 17041943); In silico analysis supports that this missense variant has a deleterious effect on protein structure/function; This variant is associated with the following publications: (PMID: 19366456, 25388846, 30245029, 24774219, 36048236, 17041943)

Labcorp Genetics (formerly Invitae), Labcorp
Classification: Pathogenic. Last evaluated: 2025-06-08. Review status: criteria provided, single submitter. Criteria: Invitae Variant Classification Sherloc (09022015). Collection method: clinical testing. Allele origin: germline.
Comment: This sequence change replaces valine, which is neutral and non-polar, with alanine, which is neutral and non-polar, at codon 63 of the GJB2 protein (p.Val63Ala). This variant is present in population databases (rs727504309, gnomAD 0.03%). This missense change has been observed in individual(s) with autosomal recessive deafness (PMID: 17041943; internal data). In at least one individual the data is consistent with being in trans (on the opposite chromosome) from a pathogenic variant. ClinVar contains an entry for this variant (Variation ID: 177751). Invitae Evidence Modeling of protein sequence and biophysical properties (such as structural, functional, and spatial information, amino acid conservation, physicochemical variation, residue mobility, and thermodynamic stability) indicates that this missense variant is expected to disrupt GJB2 protein function with a positive predictive value of 95%. This variant disrupts the p.Val63 amino acid residue in GJB2. Other variant(s) that disrupt this residue have been observed in individuals with GJB2-related conditions (PMID: 14985372), which suggests that this may be a clinically significant amino acid residue. For these reasons, this variant has been classified as Pathogenic.

Women's Health and Genetics/Laboratory Corporation of America, LabCorp
Classification: Likely pathogenic for Autosomal recessive nonsyndromic hearing loss 1A. Last evaluated: 2025-05-29. Review status: criteria provided, single submitter. Criteria: LabCorp Variant Classification Summary - May 2015. Collection method: clinical testing. Allele origin: germline.
Comment: Variant summary: GJB2 c.188T>C (p.Val63Ala) results in a non-conservative amino acid change in the encoded protein sequence. Algorithms developed to predict the effect of missense changes on protein structure and function all suggest that this variant is likely to be disruptive. The variant allele was found at a frequency of 4e-05 in 251868 control chromosomes. This frequency is not significantly higher than estimated for a pathogenic variant in GJB2 causing Autosomal Recessive Non-Syndromic Hearing Loss (4e-05 vs 0.025), allowing no conclusion about variant significance. c.188T>C has been observed in individual(s) affected with Autosomal Recessive Non-Syndromic Hearing Loss (example: Tang_GJB2_AJMG_2006, Internal data). These data indicate that the variant may be associated with disease. To our knowledge, no experimental evidence demonstrating an impact on protein function has been reported. Other variants (p.Val63Leu, p.Val63Met) that disrupt this residue have been determined to be pathogenic. The following publications have been ascertained in the context of this evaluation (PMID: 17041943, 24774219). ClinVar contains an entry for this variant (Variation ID: 177751). To our knowledge, this variant has not been reported in individuals with Autosomal Dominant Non-Syndromic Hearing Loss. Based on the evidence outlined above, the variant was classified as likely pathogenic for Autosomal Recessive Non-Syndromic Hearing Loss.

Fulgent Genetics
Classification: Likely pathogenic for Mutilating keratoderma; Autosomal dominant keratitis-ichthyosis-hearing loss syndrome; Palmoplantar keratoderma-deafness syndrome; Knuckle pads, deafness AND leukonychia syndrome; Autosomal recessive nonsyndromic hearing loss 1A; Autosomal dominant nonsyndromic hearing loss 3A. Last evaluated: 2024-06-06. Review status: criteria provided, single submitter. Criteria: ACMG Guidelines, 2015. Collection method: clinical testing. Allele origin: germline.

Myriad Genetics, Inc.
Classification: Uncertain significance for Autosomal recessive nonsyndromic hearing loss 1A. Last evaluated: 2021-10-27. Review status: criteria provided, single submitter. Criteria: Myriad Women's Health Autosomal Recessive and X-Linked Classification Criteria (2021). Collection method: clinical testing. Allele origin: unknown.
Comment: NM_004004.5(GJB2):c.188T>C(V63A) is a missense variant classified as a variant of uncertain significance in the context of GJB2-related DFNB1 nonsyndromic hearing loss and deafness. V63A has been observed in cases with relevant disease (PMID: 17041943, 24774219). Functional assessments of this variant are not available in the literature. V63A has been observed in population frequency databases (gnomAD: AMR 0.03%). In summary, there is insufficient evidence to classify NM_004004.5(GJB2):c.188T>C(V63A) as pathogenic or benign. Please note: this variant was assessed in the context of healthy population screening.

Fulgent Genetics
Classification: Uncertain significance for Mutilating keratoderma; Autosomal dominant keratitis-ichthyosis-hearing loss syndrome; Palmoplantar keratoderma-deafness syndrome; Knuckle pads, deafness AND leukonychia syndrome; Autosomal recessive nonsyndromic hearing loss 1A; X-linked mixed hearing loss with perilymphatic gusher; Autosomal dominant nonsyndromic hearing loss 3A. Last evaluated: 2018-10-31. Review status: criteria provided, single submitter. Criteria: ACMG Guidelines, 2015. Collection method: clinical testing. Allele origin: unknown.

Athena Diagnostics
Classification: Uncertain significance. Last evaluated: 2017-12-20. Review status: criteria provided, single submitter. Criteria: Athena Diagnostics Criteria. Collection method: clinical testing. Allele origin: germline.

Laboratory for Molecular Medicine, Mass General Brigham Personalized Medicine
Classification: Uncertain significance. Last evaluated: 2014-02-01. Review status: criteria provided, single submitter. Criteria: LMM Criteria. Collection method: clinical testing. Allele origin: germline. Observed: 1 variant allele.
Comment: Variant classified as Uncertain Significance - Favor Pathogenic. The Val63Ala va riant in GJB2 has been previously reported in one individual with hearing loss w ho carried a second pathogenic GJB2 variant and was not identified in 588 contro l chromosomes (Tang, 2006). Computational analyses (conservation, AlignGVGD, Pol yPhen2, and SIFT) suggest that the Val63Ala variant may impact the protein, thou gh this information is not predictive enough to determine pathogenicity. In summ ary, the clinical significance of this variant cannot be determined with certain ty; however, based on its presence in an individual with hearing loss who carrie d a second GJB2 variant and the computational and conservation data suggestive o f an impact to the protein, we would lean towards a more likely pathogenic role.

Natera, Inc.
Classification: Uncertain significance for Autosomal recessive deafness type 1A. Last evaluated: 2020-09-16. Review status: no assertion criteria provided. Collection method: clinical testing. Allele origin: germline. Not counted in ClinVar's aggregate classification.

Literature cited by the submitters: PubMed 17041943 (cited by 5 submitters); PubMed 14985372 (cited by Labcorp Genetics (formerly Invitae), Labcorp); PubMed 19366456 (cited by Women's Health and Genetics/Laboratory Corporation of America, LabCorp); PubMed 25388846 (cited by Women's Health and Genetics/Laboratory Corporation of America, LabCorp and Athena Diagnostics); PubMed 24774219 (cited by 3 submitters).

NM_004004.6(GJB2):c.188T>C (p.Val63Ala)

Gene: GJB2 (gap junction protein beta 2; minus strand). Cytogenetic location: 13q12.11.
Variant type: single nucleotide variant.
Coding change: c.188T>C on transcript NM_004004.6 (MANE Select); coding-DNA position 188, T replaced by C.
Protein change: p.Val63Ala; replaces valine 63 with alanine.
Molecular consequence: missense variant.
Genome position (GRCh38, 1-based): chr13:20,189,394, A>G on the plus strand (T>C on the coding strand, the complement: GJB2 is on the minus strand). VCF-style: chr13-20189394-A-G. GRCh37 (hg19) VCF-style: chr13-20763533-A-G.
Other names: short protein forms V63A.
Identifiers: ClinVar variation 177751 (VCV000177751.26), dbSNP rs727504309, ClinGen allele CA180700.